The following is an entry in ClinVar:

ClinVar aggregate classification (germline): Uncertain significance (1 of 4 stars; one submission).

Allele frequency attached by ClinVar (database versions not stated): ExAC 0.00002; gnomAD 0.00002; gnomAD exomes 0.00002.
gnomAD v4.1: 9 of 1,611,354 alleles (0.00056%); highest among the groups gnomAD compares: Admixed American, 0.012%; no homozygotes.

Submission:

Labcorp Genetics (formerly Invitae), Labcorp
Classification: Uncertain significance. Last evaluated: 2022-09-27. Review status: criteria provided, single submitter. Criteria: Invitae Variant Classification Sherloc (09022015). Collection method: clinical testing. Allele origin: germline.
Comment: ClinVar contains an entry for this variant (Variation ID: 1348086). In summary, the available evidence is currently insufficient to determine the role of this variant in disease. Therefore, it has been classified as a Variant of Uncertain Significance. Experimental studies and prediction algorithms are not available or were not evaluated, and the functional significance of this variant is currently unknown. This variant has not been reported in the literature in individuals affected with CEP19-related conditions. This variant is present in population databases (rs766053526, gnomAD 0.01%). This sequence change creates a premature translational stop signal (p.Trp159*) in the CEP19 gene. While this is not anticipated to result in nonsense mediated decay, it is expected to disrupt the last 9 amino acid(s) of the CEP19 protein.

NM_032898.5(CEP19):c.465G>A (p.Trp155Ter)

Gene: CEP19 (centrosomal protein 19; minus strand). Cytogenetic location: 3q29.
Variant type: single nucleotide variant.
Coding change: c.465G>A on transcript NM_032898.5 (MANE Select); coding-DNA position 465, G replaced by A.
Protein change: p.Trp155Ter; replaces tryptophan 155 with a stop codon.
Molecular consequence: nonsense.
Genome position (GRCh38, 1-based): chr3:196,707,578, C>T on the plus strand (G>A on the coding strand, the complement: CEP19 is on the minus strand). VCF-style: chr3-196707578-C-T. GRCh37 (hg19) VCF-style: chr3-196434449-C-T.
Other names: c.360G>A, p.Trp120Ter (NM_001379468.1); c.465G>A, p.Trp155Ter (NM_001379469.1, NM_001379470.1); short protein forms W155*, W120*.
Identifiers: ClinVar variation 1348086 (VCV001348086.6), dbSNP rs766053526, ClinGen allele CA2782070.